The following is an entry in ClinVar:

ClinVar aggregate classification (germline): Uncertain significance (1 of 4 stars; one submission).

Submission:

GeneDx
Classification: Uncertain significance. Last evaluated: 2024-03-09. Review status: criteria provided, single submitter. Criteria: GeneDx Variant Classification Process June 2021. Collection method: clinical testing. Allele origin: germline. Affected: yes.
Comment: Not observed at significant frequency in large population cohorts (gnomAD); In silico analysis supports that this missense variant has a deleterious effect on protein structure/function; Has not been previously published as pathogenic or benign to our knowledge

NM_015100.4(POGZ):c.1487G>A (p.Cys496Tyr)

Gene: POGZ (pogo transposable element derived with ZNF domain; minus strand). Cytogenetic location: 1q21.3.
Variant type: single nucleotide variant.
Coding change: c.1487G>A on transcript NM_015100.4 (MANE Select); coding-DNA position 1487, G replaced by A.
Protein change: p.Cys496Tyr; replaces cysteine 496 with tyrosine.
Molecular consequence: missense variant.
Genome position (GRCh38, 1-based): chr1:151,423,985, C>T on the plus strand (G>A on the coding strand, the complement: POGZ is on the minus strand). VCF-style: chr1-151423985-C-T. GRCh37 (hg19) VCF-style: chr1-151396461-C-T.
Other names: c.1460G>A, p.Cys487Tyr (NM_001194937.2); c.1301G>A, p.Cys434Tyr (NM_001194938.2); c.1508G>A, p.Cys503Tyr (NM_001410860.1); c.1202G>A, p.Cys401Tyr (NM_145796.4); c.1328G>A, p.Cys443Tyr (NM_207171.2); short protein forms C401Y, C434Y, C443Y, C487Y, C496Y, C503Y.
Identifiers: ClinVar variation 3370866 (VCV003370866.1).